The following is an entry in ClinVar:

NM_001048174.2(MUTYH):c.470G>A (p.Arg157Gln)

Gene: MUTYH (mutY DNA glycosylase; minus strand). Cytogenetic location: 1p34.1.
Variant type: single nucleotide variant.
Coding change: c.470G>A on transcript NM_001048174.2 (MANE Select); coding-DNA position 470, G replaced by A.
Protein change: p.Arg157Gln; replaces arginine 157 with glutamine.
Molecular consequence: missense variant. On other transcripts: non-coding transcript variant (2).
Genome position (GRCh38, 1-based): chr1:45,332,785, C>T on the plus strand (G>A on the coding strand, the complement: MUTYH is on the minus strand). VCF-style: chr1-45332785-C-T. GRCh37 (hg19) VCF-style: chr1-45798457-C-T.
Other names: c.470G>A, p.Arg157Gln (NM_001048171.2, NM_001048173.2, NM_001293195.2); c.473G>A, p.Arg158Gln (NM_001048172.2); c.554G>A, p.Arg185Gln (NM_001128425.2); c.515G>A, p.Arg172Gln (NM_001293190.2); c.503G>A, p.Arg168Gln (NM_001293191.2); c.194G>A, p.Arg65Gln (NM_001293192.2, NM_001293196.2); c.125G>A, p.Arg42Gln (NM_001350650.2, NM_001350651.2); c.545G>A, p.Arg182Gln (NM_012222.3); short protein forms R185Q, R157Q, R42Q, R182Q, R158Q, R168Q, R172Q, R65Q.
Identifiers: ClinVar variation 481821 (VCV000481821.24), dbSNP rs533899702, ClinGen allele CA058221.

ClinVar aggregate classification (germline): Uncertain significance. Review status: criteria provided, multiple submitters, no conflicts (2 of 4 stars). 7 submissions from 7 submitters: Uncertain significance (7). Last evaluated 2025-10-13.

Conditions:
Familial adenomatous polyposis 2. Also called: COLORECTAL ADENOMATOUS POLYPOSIS, AUTOSOMAL RECESSIVE; MUTYH-related attenuated familial adenomatous polyposis; Adenomas, multiple colorectal; MUTYH-associated polyposis; MUTYH Polyposis; ADENOMAS, MULTIPLE COLORECTAL, AUTOSOMAL RECESSIVE. Identifiers: Orphanet 220460, Orphanet 247798, MedGen C3272841, MONDO:0012041, OMIM 608456.
Gastric cancer. Also called: Stomach cancer; Malignant tumor of stomach. Identifiers: MedGen C0024623, MeSH D013274, MONDO:0001056, OMIM 613659, HP:0012126.
Hereditary cancer-predisposing syndrome. Also called: Tumor predisposition; Hereditary neoplastic syndrome; Hereditary Cancer Syndrome; Neoplastic Syndromes, Hereditary. Identifiers: Orphanet 140162, MedGen C0027672, MeSH D009386, MONDO:0015356.

Allele frequency attached by ClinVar (database versions not stated): gnomAD exomes below 0.00001 and 0.00001; ExAC 0.00001; gnomAD 0.00001; 1000 Genomes Project 30x 0.00016; 1000 Genomes Project 0.00020.

Submissions (7):

Labcorp Genetics (formerly Invitae), Labcorp
Classification: Uncertain significance for Familial adenomatous polyposis 2. Last evaluated: 2025-10-13. Review status: criteria provided, single submitter. Criteria: Invitae Variant Classification Sherloc (09022015). Collection method: clinical testing. Allele origin: germline.
Comment: This sequence change replaces arginine, which is basic and polar, with glutamine, which is neutral and polar, at codon 185 of the MUTYH protein (p.Arg185Gln). This variant is present in population databases (rs533899702, gnomAD 0.006%). This missense change has been observed in individual(s) with familial adenomatous polyposis or gallbladder cancer (PMID: 16287072, 31666926). ClinVar contains an entry for this variant (Variation ID: 481821). An algorithm developed to predict the effect of missense changes on protein structure and function (PolyPhen-2) suggests that this variant is likely to be disruptive. Experimental studies have shown that this missense change affects MUTYH function (PMID: 25820570). In summary, the available evidence is currently insufficient to determine the role of this variant in disease. Therefore, it has been classified as a Variant of Uncertain Significance.

Ambry Genetics
Classification: Uncertain significance for Hereditary cancer-predisposing syndrome. Last evaluated: 2025-03-18. Review status: criteria provided, single submitter. Criteria: Ambry Variant Classification Scheme 2023. Collection method: clinical testing. Allele origin: germline.
Comment: The p.R185Q variant (also known as c.554G>A), located in coding exon 7 of the MUTYH gene, results from a G to A substitution at nucleotide position 554. The arginine at codon 185 is replaced by glutamine, an amino acid with highly similar properties. This alteration was also observed in a Japanese population cohort of 2049 individuals who underwent whole-genome sequencing (Yamaguchi-Kabata Y et al. J Hum Genet, 2018 Feb;63:213-230) and in a cohort of patients diagnosed with biliary tract carcinoma undergoing multigene panel testing for hereditary cancer risk (Terashima T et al. Oncotarget, 2019 Oct;10:5949-5957). Furthermore, this variant was present in 0/1005 Japanese pancreatic cancer patients and in 1/23705 controls (Mizukami K et al. EBioMedicine, 2020 Oct;60:103033) and was identified in 1/12501 unselected Japanese colorectal cancer patients and in 1/23695 controls (Fujita M et al. Clin Gastroenterol Hepatol, 2022 Sep;20:2132-2141.e9). Of note, this variant is also referred to as c.545G>A (p.Arg182Gln) and p.R171Q in the literature. This amino acid position is well conserved in available vertebrate species. In addition, this alteration is predicted to be deleterious by in silico analysis. Based on the available evidence, the clinical significance of this variant remains unclear.

Women's Health and Genetics/Laboratory Corporation of America, LabCorp
Classification: Uncertain significance. Last evaluated: 2025-02-27. Review status: criteria provided, single submitter. Criteria: LabCorp Variant Classification Summary - May 2015. Collection method: clinical testing. Allele origin: germline.
Comment: Variant summary: MUTYH c.554G>A (p.Arg185Gln) results in a conservative amino acid change in the encoded protein sequence. Two of three in-silico tools predict a damaging effect of the variant on protein function. The variant allele was found at a frequency of 8e-06 in 251444 control chromosomes. The available data on variant occurrences in the general population are insufficient to allow any conclusion about variant significance. c.554G>A has been reported in the presumed compound heterozygous state in the literature in a APC mutation-negative patient with 50 polyps and no personal history of colorectal cancer, but a family history of colorectal cancer (Russell_2006). These data do not allow firm conclusions about variant significance. At least one publication reports experimental evidence evaluating an impact on protein function, however the c. nomenclature and p.nomenclature were in conflict and therefore the data could not be used for variant scoring (Komine_2015). The following publications have been ascertained in the context of this evaluation (PMID: 33309985, 25820570, 16287072, 31666926). ClinVar contains an entry for this variant (Variation ID: 481821). Based on the evidence outlined above, the variant was classified as uncertain significance.

All of Us Research Program, National Institutes of Health
Classification: Uncertain significance for Familial adenomatous polyposis 2. Last evaluated: 2024-05-30. Review status: criteria provided, single submitter. Criteria: ACMG Guidelines, 2015. Collection method: clinical testing. Allele origin: germline. Inheritance: Autosomal recessive inheritance. Observed: 2 variant alleles, 2 heterozygotes.
Comment: This missense variant replaces arginine with glutamine at codon 185 of the MUTYH protein. This variant is also known as c.512G>A (p.Arg171Gln) based on an alternative transcript (NM_001048171). Computational prediction suggests that this variant may have deleterious impact on protein structure and function (internally defined REVEL score threshold >= 0.7, PMID: 27666373). A complementation assay using E. Coli has shown that the variant protein leads to increased spontaneous mutations compared to wild type protein (PMID: 25820570). This variant has been reported in the compound heterozygous state in an individual affected with attenuated familial adenomatous polyposis (PMID: 16287072). This variant has also been reported in individuals affected with biliary tract cancer (PMID: 31666926) and colorectal cancer (PMID: 33309985). This variant has been identified in 2/251444 chromosomes in the general population by the Genome Aggregation Database (gnomAD). The available evidence is insufficient to determine the role of this variant in disease conclusively. Therefore, this variant is classified as a Variant of Uncertain Significance.

This study involves interpretation of variants in research participants for the purpose of population health screening. Participant phenotype was not available at the time of variant classification. Additional details can be found in publication PMID: 35346344, PMCID: PMC8962531

GeneDx
Classification: Uncertain significance. Last evaluated: 2023-08-01. Review status: criteria provided, single submitter. Criteria: GeneDx Variant Classification Process June 2021. Collection method: clinical testing. Allele origin: germline. Affected: yes.
Comment: In silico analysis supports that this missense variant has a deleterious effect on protein structure/function; Not observed at significant frequency in large population cohorts (gnomAD); Published functional studies suggest a damaging effect: reduced protein levels compared to wildtype (Komine et al., 2015); Observed in individuals with colorectal cancer, biliary tract carcinoma, or pancreatic cancer (Poulsen et al., 2008; Terashima et al., 2019; Mizukami et al., 2020); Observed in an individual with attenuated polyposis and a second pathogenic variant in MUTYH (Russell et al., 2006); Also known as c.545G>A, p.(R171Q); This variant is associated with the following publications: (PMID: 29192238, 31666926, 33309985, 32980694, 25820570, 19506731, 16287072)

Color Diagnostics, LLC DBA Color Health
Classification: Uncertain significance for Hereditary cancer-predisposing syndrome. Last evaluated: 2023-03-30. Review status: criteria provided, single submitter. Criteria: ACMG Guidelines, 2015. Collection method: clinical testing. Allele origin: germline.
Comment: This missense variant replaces arginine with glutamine at codon 185 of the MUTYH protein. This variant is also known as c.512G>A (p.Arg171Gln) based on an alternative transcript (NM_001048171). Computational prediction suggests that this variant may have deleterious impact on protein structure and function (internally defined REVEL score threshold >= 0.7, PMID: 27666373). A complementation assay using E. Coli has shown that the variant protein leads to increased spontaneous mutations compared to wild type protein (PMID: 25820570). This variant has been reported in the compound heterozygous state in an individual affected with attenuated familial adenomatous polyposis (PMID: 16287072). This variant has also been reported in individuals affected with biliary tract cancer (PMID: 31666926) and colorectal cancer (PMID: 33309985). This variant has been identified in 2/251444 chromosomes in the general population by the Genome Aggregation Database (gnomAD). The available evidence is insufficient to determine the role of this variant in disease conclusively. Therefore, this variant is classified as a Variant of Uncertain Significance.

Department of Pathology and Laboratory Medicine, Sinai Health System
Classification: Uncertain significance for Familial adenomatous polyposis 2; Gastric cancer. Last evaluated: 2022-05-19. Review status: criteria provided, single submitter. Criteria: ACMG Guidelines, 2015. Collection method: clinical testing. Allele origin: germline. Affected: yes.

Literature cited by the submitters: PubMed 16287072 (cited by 6 submitters); PubMed 31666926 (cited by 6 submitters); PubMed 25820570 (cited by 6 submitters); PubMed 29192238 (cited by Ambry Genetics); PubMed 32980694 (cited by Ambry Genetics); PubMed 33309985 (cited by 4 submitters).